The following is an entry in ClinVar:

NM_005475.3(SH2B3):c.155A>T (p.His52Leu)

Gene: SH2B3 (SH2B adaptor protein 3; plus strand). Cytogenetic location: 12q24.12.
Variant type: single nucleotide variant.
Coding change: c.155A>T on transcript NM_005475.3 (MANE Select); coding-DNA position 155, A replaced by T.
Protein change: p.His52Leu; replaces histidine 52 with leucine.
Molecular consequence: missense variant.
Genome position (GRCh38, 1-based): chr12:111,418,300, A>T. VCF-style: chr12-111418300-A-T. GRCh37 (hg19) VCF-style: chr12-111856104-A-T.
Other names: short protein forms H52L.
Identifiers: ClinVar variation 3953402 (VCV003953402.1).

ClinVar aggregate classification (germline): Uncertain significance (1 of 4 stars; one submission).

Conditions:
Inborn genetic diseases. Identifiers: MedGen C0950123, MeSH D030342.

gnomAD v4.1: 5 of 1,534,082 alleles (0.00033%); highest among the groups gnomAD compares: Non-Finnish European, 0.00044%; no homozygotes.

Submission:

Ambry Genetics
Classification: Uncertain significance for Inborn genetic diseases. Last evaluated: 2025-03-29. Review status: criteria provided, single submitter. Criteria: Ambry Variant Classification Scheme 2023. Collection method: clinical testing. Allele origin: germline.
Comment: The p.H52L variant (also known as c.155A>T), located in coding exon 1 of the SH2B3 gene, results from an A to T substitution at nucleotide position 155. The histidine at codon 52 is replaced by leucine, an amino acid with similar properties. This amino acid position is conserved. In addition, this alteration is predicted to be tolerated by in silico analysis. Based on the available evidence, the clinical significance of this variant remains unclear.